The following is an entry in ClinVar:

ClinVar aggregate classification (germline): Pathogenic. Review status: criteria provided, multiple submitters, no conflicts (2 of 4 stars). 8 submissions from 8 submitters: Pathogenic (7). 1 of the submissions does not count toward it. Last evaluated 2026-01-11.

Conditions:
Liddle syndrome 1 (LIDLS1). Also called: PSEUDOALDOSTERONISM. Identifiers: Orphanet 526, MedGen CN031472, MONDO:0020607, OMIM 177200.
Pseudohypoaldosteronism, type IB2, autosomal recessive (PHA1B2). Identifiers: MedGen C5774255, MONDO:0859317, OMIM 620125.
Bronchiectasis with or without elevated sweat chloride 1 (BESC1). Also called: Cystic Fibrosis-Like Syndrome. Identifiers: Orphanet 60033, MedGen C2749757, MONDO:0008887, OMIM 211400.

Allele frequency attached by ClinVar (database versions not stated): gnomAD 0.00001.
gnomAD v4.1: 1 of 1,614,056 alleles (0.000062%); no homozygotes.

Submissions (8):

Labcorp Genetics (formerly Invitae), Labcorp
Classification: Pathogenic. Last evaluated: 2026-01-11. Review status: criteria provided, single submitter. Criteria: Invitae Variant Classification Sherloc (09022015). Collection method: clinical testing. Allele origin: germline.
Comment: This sequence change creates a premature translational stop signal (p.Arg566*) in the SCNN1B gene. While this is not anticipated to result in nonsense mediated decay, it is expected to disrupt the last 75 amino acid(s) of the SCNN1B protein. This variant is not present in population databases (gnomAD no frequency). This premature translational stop signal has been observed in individuals with autosomal dominant Liddle syndrome (PMID: 7954808, 26075967, 27896928, 27900368). It has also been observed to segregate with disease in related individuals. This variant is also known as p.Arg564*. ClinVar contains an entry for this variant (Variation ID: 8830). Algorithms developed to predict the effect of variants on gene product structure and function are not available or were not evaluated for this variant. Experimental studies have shown that this premature translational stop signal affects SCNN1B function (PMID: 7777572). Algorithms developed to predict the effect of sequence changes on RNA splicing suggest that this variant may create or strengthen a splice site. For these reasons, this variant has been classified as Pathogenic.

MVZ Medizinische Genetik Mainz
Classification: Pathogenic for Liddle syndrome 1. Last evaluated: 2025-03-11. Review status: criteria provided, single submitter. Criteria: UK Practice Guidelines For Variant Classification V4 01 2020. Collection method: clinical testing. Allele origin: germline. Inheritance: Autosomal dominant inheritance. Affected: yes. Observed: 1 variant allele.
Comment: ACMG Criteria: PVS1_STR,PS3,PS4,PP4

Fulgent Genetics
Classification: Pathogenic for Liddle syndrome 1; Bronchiectasis with or without elevated sweat chloride 1; Pseudohypoaldosteronism, type IB2, autosomal recessive. Last evaluated: 2024-03-20. Review status: criteria provided, single submitter. Criteria: ACMG Guidelines, 2015. Collection method: clinical testing. Allele origin: germline.

Clinical Genetics Laboratory, Skane University Hospital Lund
Classification: Pathogenic. Last evaluated: 2024-02-29. Review status: criteria provided, single submitter. Criteria: ACMG Guidelines, 2015. Collection method: clinical testing. Allele origin: germline. Affected: yes.

GeneDx
Classification: Pathogenic. Last evaluated: 2023-12-28. Review status: criteria provided, single submitter. Criteria: GeneDx Variant Classification Process June 2021. Collection method: clinical testing. Allele origin: germline. Affected: yes.
Comment: Published functional studies demonstrate that the variant results in increased sodium channel activity (PMID: 7777572); Nonsense variant predicted to result in protein truncation, as the last 75 amino acids are lost, and other loss-of-function variants have been reported downstream in HGMD; Not observed at significant frequency in large population cohorts (gnomAD); This variant is associated with the following publications: (PMID: 27896928, 26075967, 9576123, 14645220, 28915228, 32561571, 24474657, 11478429, 10362597, 24093724, 7954808, 27900368, 7777572)

Athena Diagnostics
Classification: Pathogenic. Last evaluated: 2021-10-15. Review status: criteria provided, single submitter. Criteria: Athena Diagnostics Criteria. Collection method: clinical testing. Allele origin: unknown.
Comment: This variant is expected to result in the loss of a functional protein. This variant results in a nonsense variant in the final exon of the gene which is not expected to trigger NMD, but which does eliminate the putatively important PY Motif. This variant was not reported in large, multi-ethnic, general populations. This variant segregates with disease in multiple families. Assessment of experimental evidence suggests this variant results in abnormal protein function. This variant has been shown in studies to eliminate the protein domain needed for proper regulation, and thus greatly increase current through the sodium channel (PMID: 7777572).

Lupski Lab, Baylor-Hopkins CMG, Baylor College of Medicine
Classification: Pathogenic for Liddle syndrome 1. Last evaluated: 2016-06-23. Review status: criteria provided, single submitter. Criteria: Polfus LM Cold Spring Harb Mol Case Stud. 2016. Collection method: clinical testing. Allele origin: inherited. Affected: yes. Observed: 2 variant alleles.

OMIM
Classification: Pathogenic for LIDDLE SYNDROME 1. Last evaluated: 1994-11-04. Review status: no assertion criteria provided. Collection method: literature only. Allele origin: germline. Not counted in ClinVar's aggregate classification.

Literature cited by the submitters: PubMed 7954808 (cited by 3 submitters); PubMed 26075967 (cited by Labcorp Genetics (formerly Invitae), Labcorp and Athena Diagnostics); PubMed 27896928 (cited by Labcorp Genetics (formerly Invitae), Labcorp and Athena Diagnostics); PubMed 27900368 (cited by Labcorp Genetics (formerly Invitae), Labcorp and Athena Diagnostics); PubMed 7777572 (cited by Labcorp Genetics (formerly Invitae), Labcorp and Athena Diagnostics); PubMed 14645220 (cited by Athena Diagnostics); PubMed 24093724 (cited by Athena Diagnostics); PubMed 10362597 (cited by Athena Diagnostics); PubMed 28915228 (cited by Athena Diagnostics); PubMed 9576123 (cited by Athena Diagnostics); PubMed 11478429 (cited by Athena Diagnostics); PubMed 24474657 (cited by Athena Diagnostics); Liddle, G. W., Bledsoe, T., Coppage, W. S., Jr. A familial renal disorder simulating primary aldosteronism but with negligible aldosterone secretion. Trans. Assoc. Am. Phys. 76: 199-213, 1963. (cited by OMIM).

NM_000336.3(SCNN1B):c.1696C>T (p.Arg566Ter)

Gene: SCNN1B (sodium channel epithelial 1 subunit beta; plus strand). Cytogenetic location: 16p12.2.
Variant type: single nucleotide variant.
Coding change: c.1696C>T on transcript NM_000336.3 (MANE Select); coding-DNA position 1696, C replaced by T.
Protein change: p.Arg566Ter; replaces arginine 566 with a stop codon.
Molecular consequence: nonsense.
Genome position (GRCh38, 1-based): chr16:23,380,574, C>T. VCF-style: chr16-23380574-C-T. GRCh37 (hg19) VCF-style: chr16-23391895-C-T.
Other names: R564*; short protein forms R566*.
Identifiers: ClinVar variation 8830 (VCV000008830.17), dbSNP rs137852704, ClinGen allele CA119956.